The following is an entry in ClinVar:

NM_000169.3(GLA):c.153G>C (p.Met51Ile)

Genes: GLA (galactosidase alpha; minus strand), RPL36A-HNRNPH2 (RPL36A-HNRNPH2 readthrough; plus strand). Cytogenetic location: Xq22.1.
Variant type: single nucleotide variant.
Coding change: c.153G>C on transcript NM_000169.3 (MANE Select); coding-DNA position 153, G replaced by C.
Protein change: p.Met51Ile; replaces methionine 51 with isoleucine.
Molecular consequence: missense variant. On other transcripts: non-coding transcript variant (3), intron variant (2).
Genome position (GRCh38, 1-based): chrX:101,407,751, C>G on the plus strand (G>C on the coding strand, the complement: GLA is on the minus strand). VCF-style: chrX-101407751-C-G. GRCh37 (hg19) VCF-style: chrX-100662739-C-G.
Other names: c.153G>C, p.Met51Ile (NM_001406747.1, NM_001406748.1, NM_001406749.1); c.301-4185C>G (NM_001199973.2); c.178-4185C>G (NM_001199974.2); short protein forms M51I.
Identifiers: ClinVar variation 4087276 (VCV004087276.2).

ClinVar aggregate classification (germline): Likely pathogenic (1 of 4 stars; one submission).

Conditions:
Fabry disease. Also called: ALPHA-GALACTOSIDASE A DEFICIENCY; ANDERSON-FABRY DISEASE; CERAMIDE TRIHEXOSIDASE DEFICIENCY; GLA DEFICIENCY; HEREDITARY DYSTOPIC LIPIDOSIS; Angiokeratoma corporis diffusum. Identifiers: Orphanet 324, MedGen C0002986, MONDO:0010526, OMIM 301500, HP:0001071. Disease mechanism: Fabry disease is due to inactivating mutations in the X-linked GLA gene resulting in deficiency of the enzyme Alpha Galactosidase-A., loss of function.

Submission:

Genomenon, Inc
Classification: Likely pathogenic for Fabry disease. Last evaluated: 2026-09-08. Review status: criteria provided, single submitter. Criteria: Genomenon Sequence Variant Interpretation Standards - Updated. Collection method: curation. Allele origin: germline. Affected: no.
Comment: GLA p.Met51Ile (c.153G>C) is a missense variant that changes the amino acid at codon 51 from Methionine to Isoleucine. This variant has been reported in the published literature (PMID:37937352). Another cDNA change that causes the same protein consequence has been determined to be pathogenic or likely pathogenic. This variant is located in a mutational hotspot and/or important functional domain. It is absent or not present at a significant frequency in gnomAD. In conclusion, we classify GLA p.Met51Ile (c.153G>C) as a likely pathogenic variant.

Literature cited by the submitters: PubMed 37937352.